The following is an entry in ClinVar:

NM_032608.7(MYO18B):c.1981_1982inv (p.Trp661Gln)

Gene: MYO18B (myosin XVIIIB; plus strand). Cytogenetic location: 22q12.1.
Variant type: Inversion.
Coding change: c.1981_1982inv on transcript NM_032608.7 (MANE Select).
Protein change: p.Trp661Gln; replaces tryptophan 661 with glutamine.
Molecular consequence: missense variant.
Genome position: GRCh38 VCF-style: chr22-25777694-TG-CA. GRCh37 (hg19) VCF-style: chr22-26173661-TG-CA.
Other names: c.1981_1982inv, p.Trp661Gln (NM_001318245.2); c.1981_1982delinsCA (NM_032608.5); short protein forms W661Q.
Identifiers: ClinVar variation 1353272 (VCV001353272.6), ClinGen allele CA2573158077.

ClinVar aggregate classification (germline): Uncertain significance. Review status: criteria provided, multiple submitters, no conflicts (2 of 4 stars). 2 submissions from 2 submitters: Uncertain significance (2). Last evaluated 2026-04-05.

Submissions (2):

GeneDx
Classification: Uncertain significance. Last evaluated: 2026-04-05. Review status: criteria provided, single submitter. Criteria: GeneDx Variant Classification Process June 2021. Collection method: clinical testing. Allele origin: germline.
Comment: Not observed at significant frequency in large population cohorts (gnomAD); In silico analysis suggests that this variant does not alter protein structure/function; Has not been previously published as pathogenic or benign to our knowledge

Labcorp Genetics (formerly Invitae), Labcorp
Classification: Uncertain significance. Last evaluated: 2022-03-18. Review status: criteria provided, single submitter. Criteria: Invitae Variant Classification Sherloc (09022015). Collection method: clinical testing. Allele origin: germline.
Comment: This sequence change replaces tryptophan, which is neutral and slightly polar, with glutamine, which is neutral and polar, at codon 661 of the MYO18B protein (p.Trp661Gln). This variant is present in population databases (no rsID available, gnomAD 0.5%). This variant has not been reported in the literature in individuals affected with MYO18B-related conditions. Algorithms developed to predict the effect of missense changes on protein structure and function are either unavailable or do not agree on the potential impact of this missense change (SIFT: "Not Available"; PolyPhen-2: "Benign"; Align-GVGD: "Not Available"). In summary, the available evidence is currently insufficient to determine the role of this variant in disease. Therefore, it has been classified as a Variant of Uncertain Significance.